The following is an entry in ClinVar:

ClinVar aggregate classification (germline): Benign/Likely benign. Review status: criteria provided, multiple submitters, no conflicts (2 of 4 stars). 3 submissions from 3 submitters: Benign (1); Likely benign (2). Last evaluated 2025-12-19.

Allele frequency attached by ClinVar (database versions not stated): gnomAD exomes 0.00006 and 0.00017; ExAC 0.00015; 1000 Genomes Project 30x 0.00016; 1000 Genomes Project 0.00020; gnomAD 0.00068 and 0.00074; TOPMed 0.00074; ESP Exome Variant Server 0.00077.
gnomAD v4.1: 200 of 1,614,088 alleles (0.012%); highest among the groups gnomAD compares: African/African-American, 0.24%; 1 homozygote.

Submissions (3):

Labcorp Genetics (formerly Invitae), Labcorp
Classification: Benign. Last evaluated: 2025-12-19. Review status: criteria provided, single submitter. Criteria: Invitae Variant Classification Sherloc (09022015). Collection method: clinical testing. Allele origin: germline.

CeGaT Center for Human Genetics Tuebingen
Classification: Likely benign. Last evaluated: 2025-10-01. Review status: criteria provided, single submitter. Criteria: CeGaT Center For Human Genetics Tuebingen Variant Classification Criteria Version 2. Collection method: clinical testing. Allele origin: germline. Affected: yes. Observed: 2 variant alleles.
Comment: SFXN4: BP4, BP7

GeneDx
Classification: Likely benign. Last evaluated: 2020-06-03. Review status: criteria provided, single submitter. Criteria: GeneDx Variant Classification Process June 2021. Collection method: clinical testing. Allele origin: germline. Affected: yes.

NM_213649.2(SFXN4):c.750A>G (p.Leu250=)

Gene: SFXN4 (sideroflexin 4; minus strand). Cytogenetic location: 10q26.11.
Variant type: single nucleotide variant.
Coding change: c.750A>G on transcript NM_213649.2 (MANE Select); coding-DNA position 750, A replaced by G.
Protein change: p.Leu250=; no amino-acid change (leucine 250 retained).
Molecular consequence: synonymous variant. On other transcripts: non-coding transcript variant (1).
Genome position (GRCh38, 1-based): chr10:119,147,843, T>C on the plus strand (A>G on the coding strand, the complement: SFXN4 is on the minus strand). VCF-style: chr10-119147843-T-C. GRCh37 (hg19) VCF-style: chr10-120907355-T-C.
Identifiers: ClinVar variation 386517 (VCV000386517.29), dbSNP rs141926813, ClinGen allele CA5714399.
Genomic context (GRCh38, chr10:119,147,843, plus strand): 5'-AAAGTAGGTGAAGACTTCAGGAATCAGAGCTGAGGTCCCAAACAGCACTATTCTGGATGC[T>C]AGCGTTTCTCTAACAGCCTAGCAAAAATGAAAAGAAAACAGCTTAGGTTGGGCACGGTGG-3'
Protein context (NP_998814.1, residues 240-260): IAGTKAVRET[Leu250=]ASRIVLFGTS